The following is an entry in ClinVar:

NM_024685.4(BBS10):c.1134C>T (p.Ser378=)

Gene: BBS10 (Bardet-Biedl syndrome 10; minus strand). Cytogenetic location: 12q21.2.
Variant type: single nucleotide variant.
Coding change: c.1134C>T on transcript NM_024685.4 (MANE Select); coding-DNA position 1134, C replaced by T.
Protein change: p.Ser378=; no amino-acid change (serine 378 retained).
Molecular consequence: synonymous variant.
Genome position (GRCh38, 1-based): chr12:76,346,851, G>A on the plus strand (C>T on the coding strand, the complement: BBS10 is on the minus strand). VCF-style: chr12-76346851-G-A. GRCh37 (hg19) VCF-style: chr12-76740631-G-A.
Other names: c.1134C>T (NM_024685.3).
Identifiers: ClinVar variation 1079967 (VCV001079967.11), dbSNP rs764371181, ClinGen allele CA6694221.

ClinVar aggregate classification (germline): Likely benign. Review status: criteria provided, single submitter (1 of 4 stars). 2 submissions from 2 submitters: Likely benign (1). 1 of the submissions does not count toward it. Last evaluated 2023-08-29.

Conditions:
BBS10-related disorder. Also called: BBS10-related condition.
Bardet-Biedl syndrome (BBS). Identifiers: Orphanet 110, MedGen C0752166, MONDO:0015229.

Allele frequency attached by ClinVar (database versions not stated): TOPMed below 0.00001; ExAC 0.00001; gnomAD exomes 0.00001.
gnomAD v4.1: 3 of 1,613,920 alleles (0.00019%); highest among the groups gnomAD compares: East Asian, 0.0067%; no homozygotes.

Submissions (2):

Labcorp Genetics (formerly Invitae), Labcorp
Classification: Likely benign for Bardet-Biedl syndrome. Last evaluated: 2023-08-29. Review status: criteria provided, single submitter. Criteria: Invitae Variant Classification Sherloc (09022015). Collection method: clinical testing. Allele origin: germline.

PreventionGenetics, part of Exact Sciences
Classification: Likely benign for BBS10-related condition. Last evaluated: 2023-05-29. Review status: no assertion criteria provided. Collection method: clinical testing. Allele origin: germline. Not counted in ClinVar's aggregate classification.
Comment: This variant is classified as likely benign based on ACMG/AMP sequence variant interpretation guidelines (Richards et al. 2015 PMID: 25741868, with internal and published modifications).